The following is an entry in ClinVar:

NM_016169.4(SUFU):c.87_88del (p.Phe30fs)

Genes: SUFU (SUFU negative regulator of hedgehog signaling; plus strand), LOC130004614 (ATAC-STARR-seq lymphoblastoid silent region 2764; plus strand). Cytogenetic location: 10q24.32.
Variant type: Microsatellite.
Coding change: c.87_88del on transcript NM_016169.4 (MANE Select); coding-DNA positions 87 to 88, 2 bases deleted (CT; older notation c.87_88delCT).
Protein change: p.Phe30fs; shifts the reading frame from phenylalanine 30.
Molecular consequence: frameshift variant.
Genome position (GRCh38, 1-based): chr10:102,504,239-102,504,240, CT deleted; deleting any 2 consecutive bases within chr10:102,504,237-102,504,240 gives the same sequence; the c. name uses the placement nearest the transcript's 3' end. VCF-style (leftmost placement, unchanged base first): chr10-102504236-GCT-G. GRCh37 (hg19) VCF-style: chr10-104263993-GCT-G.
Other names: c.87_88del, p.Phe30fs (NM_001178133.2); short protein forms F30fs.
Identifiers: ClinVar variation 2943724 (VCV002943724.3), dbSNP rs2544830938, ClinGen allele CA2740093514.

ClinVar aggregate classification (germline): Pathogenic (1 of 4 stars; one submission).

Conditions:
Gorlin syndrome. Also called: Nevoid Basal Cell Carcinoma Syndrome; Basal cell nevus syndrome. Identifiers: Orphanet 377, MedGen C0004779, MONDO:0007187.
Medulloblastoma (MDB). Also called: MEDULLOBLASTOMA PREDISPOSITION SYNDROME; Medulloblastoma, somatic. Identifiers: Orphanet 616, MedGen C0025149, MeSH D008527, MONDO:0007959, OMIM 155255, HP:0002885.

Submission:

Labcorp Genetics (formerly Invitae), Labcorp
Classification: Pathogenic for Gorlin syndrome; Medulloblastoma. Last evaluated: 2025-07-07. Review status: criteria provided, single submitter. Criteria: Invitae Variant Classification Sherloc (09022015). Collection method: clinical testing. Allele origin: germline.
Comment: This sequence change creates a premature translational stop signal (p.Phe30Serfs*17) in the SUFU gene. It is expected to result in an absent or disrupted protein product. Loss-of-function variants in SUFU are known to be pathogenic (PMID: 22508808, 25403219, 33024317). This variant is not present in population databases (gnomAD no frequency). This variant has not been reported in the literature in individuals affected with SUFU-related conditions. For these reasons, this variant has been classified as Pathogenic.

Literature cited by the submitters: PubMed 22508808; PubMed 25403219; PubMed 33024317.